The following is an entry in ClinVar:

ClinVar aggregate classification (germline): Likely benign (1 of 4 stars; one submission).

gnomAD v4.1: 12 of 702,754 alleles (0.0017%); highest among the groups gnomAD compares: East Asian, 0.013%; no homozygotes.

Submission:

CeGaT Center for Human Genetics Tuebingen
Classification: Likely benign. Last evaluated: 2022-06-01. Review status: criteria provided, single submitter. Criteria: CeGaT Center For Human Genetics Tuebingen Variant Classification Criteria Version 2. Collection method: clinical testing. Allele origin: germline. Affected: yes. Observed: 1 variant allele.
Comment: WDR97: BP4, BP7

NM_001316309.2(WDR97):c.66G>A (p.Ala22=)

Gene: WDR97 (WD repeat domain 97; plus strand). Cytogenetic location: 8q24.3.
Variant type: single nucleotide variant.
Coding change: c.66G>A on transcript NM_001316309.2 (MANE Select); coding-DNA position 66, G replaced by A.
Protein change: p.Ala22=; no amino-acid change (alanine 22 retained).
Molecular consequence: synonymous variant.
Genome position (GRCh38, 1-based): chr8:144,107,816, G>A. VCF-style: chr8-144107816-G-A. GRCh37 (hg19) VCF-style: chr8-145162719-G-A.
Identifiers: ClinVar variation 2658971 (VCV002658971.24), dbSNP rs768624712, ClinGen allele CA463434724.
Genomic context (GRCh38, chr8:144,107,816, plus strand): 5'-GGCAGAGGTGTGGGAGGCAGAAGGCTACAACCTAGTTCTGGACTCGGACCTGTATGATGC[G>A]GATGGCTATGATGTCCCAGACCCTGGGCTGCTCACCGAAAAGAATGGTGAGGGGGCCTGG-3'
Protein context (NP_001303238.1, residues 12-32): NLVLDSDLYD[Ala22=]DGYDVPDPGL